The following is an entry in ClinVar:

NM_207037.2(TCF12):c.301C>T (p.Pro101Ser)

Gene: TCF12 (transcription factor 12; plus strand). Cytogenetic location: 15q21.3.
Variant type: single nucleotide variant.
Coding change: c.301C>T on transcript NM_207037.2 (MANE Select); coding-DNA position 301, C replaced by T.
Protein change: p.Pro101Ser; replaces proline 101 with serine.
Molecular consequence: missense variant. On other transcripts: 5 prime UTR variant (1).
Genome position (GRCh38, 1-based): chr15:57,091,867, C>T. VCF-style: chr15-57091867-C-T. GRCh37 (hg19) VCF-style: chr15-57384065-C-T.
Other names: c.301C>T, p.Pro101Ser (NM_001322151.2, NM_001322152.2, NM_001322157.3 and 7 more transcripts); c.-352C>T (NM_001322154.2); c.127C>T, p.Pro43Ser (NM_001322156.2, NM_001322158.2); c.337C>T, p.Pro113Ser (NM_001322164.2); short protein forms P101S, P113S, P43S.
Identifiers: ClinVar variation 4087880 (VCV004087880.1).

ClinVar aggregate classification (germline): Uncertain significance (1 of 4 stars; one submission).

gnomAD v4.1: 1 of 1,613,712 alleles (0.000062%); highest among the groups gnomAD compares: Non-Finnish European, 0.000085%; no homozygotes.

Submission:

GeneDx
Classification: Uncertain significance. Last evaluated: 2025-03-25. Review status: criteria provided, single submitter. Criteria: GeneDx Variant Classification Process June 2021. Collection method: clinical testing. Allele origin: germline. Affected: yes.
Comment: Not observed at significant frequency in large population cohorts (gnomAD); In silico analysis supports that this missense variant has a deleterious effect on protein structure/function; Has not been previously published as pathogenic or benign to our knowledge